The following is an entry in ClinVar:

ClinVar aggregate classification (germline): Uncertain significance (1 of 4 stars; one submission).

Conditions:
Adams-Oliver syndrome 5 (AOS5). Identifiers: Orphanet 974, MedGen C4014970, MONDO:0014459, OMIM 616028.

Submission:

Labcorp Genetics (formerly Invitae), Labcorp
Classification: Uncertain significance for Adams-Oliver syndrome 5. Last evaluated: 2020-03-01. Review status: criteria provided, single submitter. Criteria: Invitae Variant Classification Sherloc (09022015). Collection method: clinical testing. Allele origin: germline.
Comment: In summary, the available evidence is currently insufficient to determine the role of this variant in disease. Therefore, it has been classified as a Variant of Uncertain Significance. Algorithms developed to predict the effect of missense changes on protein structure and function (SIFT, PolyPhen-2, Align-GVGD) all suggest that this variant is likely to be tolerated, but these predictions have not been confirmed by published functional studies and their clinical significance is uncertain. This variant has not been reported in the literature in individuals with NOTCH1-related conditions. This variant is not present in population databases (ExAC no frequency). This sequence change replaces methionine with lysine at codon 2392 of the NOTCH1 protein (p.Met2392Lys). The methionine residue is weakly conserved and there is a moderate physicochemical difference between methionine and lysine.

NM_017617.5(NOTCH1):c.7175T>A (p.Met2392Lys)

Gene: NOTCH1 (notch receptor 1; minus strand). Cytogenetic location: 9q34.3.
Variant type: single nucleotide variant.
Coding change: c.7175T>A on transcript NM_017617.5 (MANE Select); coding-DNA position 7175, T replaced by A.
Protein change: p.Met2392Lys; replaces methionine 2392 with lysine.
Molecular consequence: missense variant.
Genome position (GRCh38, 1-based): chr9:136,496,564, A>T on the plus strand (T>A on the coding strand, the complement: NOTCH1 is on the minus strand). VCF-style: chr9-136496564-A-T. GRCh37 (hg19) VCF-style: chr9-139391016-A-T.
Other names: short protein forms M2392K.
Identifiers: ClinVar variation 1000850 (VCV001000850.8), dbSNP rs1036612594, ClinGen allele CA375627821.